The following is an entry in ClinVar:

NM_174936.4(PCSK9):c.384C>T (p.Gly128=)

Gene: PCSK9 (proprotein convertase subtilisin/kexin type 9; plus strand). Cytogenetic location: 1p32.3.
Variant type: single nucleotide variant.
Coding change: c.384C>T on transcript NM_174936.4 (MANE Select); coding-DNA position 384, C replaced by T.
Protein change: p.Gly128=; no amino-acid change (glycine 128 retained).
Molecular consequence: synonymous variant.
Genome position (GRCh38, 1-based): chr1:55,044,019, C>T. VCF-style: chr1-55044019-C-T. GRCh37 (hg19) VCF-style: chr1-55509692-C-T.
Other names: p.Gly128=.
Identifiers: ClinVar variation 630144 (VCV000630144.53), dbSNP rs72646503, ClinGen allele CA041714.

ClinVar aggregate classification (germline): Benign/Likely benign. Review status: criteria provided, multiple submitters, no conflicts (2 of 4 stars). 10 submissions from 10 submitters: Benign (2); Likely benign (8). Last evaluated 2026-03-27.

Conditions:
Cardiovascular phenotype. Identifiers: MedGen CN230736.
Familial hypercholesterolemia. Also called: Familial hypercholesterolaemia; Familial hypercholesterolemias. Identifiers: MedGen C0020445, MONDO:0005439.
Hypercholesterolemia, autosomal dominant, 3 (FHCL3). Also called: Familial Hypercholesterolemia, Autosomal Dominant, 3; PCSK9-Related Familial Hypercholesterolemia, Autosomal Dominant; Familial hypercholesterolemia 3. Identifiers: MedGen C1863551, MONDO:0011369, OMIM 603776.

Allele frequency attached by ClinVar (database versions not stated): ESP Exome Variant Server 0.00008; gnomAD 0.00011 and 0.00013; TOPMed 0.00012; 1000 Genomes Project 0.00020; 1000 Genomes Project 30x 0.00031.
gnomAD v4.1: 185 of 1,614,198 alleles (0.011%); highest among the groups gnomAD compares: Middle Eastern, 0.049%; no homozygotes.

Submissions (10):

Molecular Diagnostic Laboratory for Inherited Cardiovascular Disease, Montreal Heart Institute
Classification: Likely benign. Last evaluated: 2026-03-27. Review status: criteria provided, single submitter. Criteria: ACMG Guidelines, 2015. Collection method: clinical testing. Allele origin: germline. Affected: no.
Comment: BS1;BP7

Labcorp Genetics (formerly Invitae), Labcorp
Classification: Benign for Hypercholesterolemia, autosomal dominant, 3. Last evaluated: 2026-01-27. Review status: criteria provided, single submitter. Criteria: Invitae Variant Classification Sherloc (09022015). Collection method: clinical testing. Allele origin: germline.

CeGaT Center for Human Genetics Tuebingen
Classification: Likely benign. Last evaluated: 2025-10-01. Review status: criteria provided, single submitter. Criteria: CeGaT Center For Human Genetics Tuebingen Variant Classification Criteria Version 2. Collection method: clinical testing. Allele origin: germline. Affected: yes. Observed: 13 variant alleles.
Comment: PCSK9: BP4, BP7

Mayo Clinic Laboratories, Mayo Clinic
Classification: Likely benign. Last evaluated: 2025-01-31. Review status: criteria provided, single submitter. Criteria: ACMG Guidelines, 2015. Collection method: clinical testing. Allele origin: germline. Observed: 1 variant allele.
Comment: BS1, BP4, BP7

Blueprint Genetics
Classification: Likely benign. Last evaluated: 2024-10-16. Review status: criteria provided, single submitter. Criteria: ACMG Guidelines, 2015. Collection method: clinical testing. Allele origin: germline.

Women's Health and Genetics/Laboratory Corporation of America, LabCorp
Classification: Benign. Last evaluated: 2024-07-27. Review status: criteria provided, single submitter. Criteria: LabCorp Variant Classification Summary - May 2015. Collection method: clinical testing. Allele origin: germline.

All of Us Research Program, National Institutes of Health
Classification: Likely benign for Hypercholesterolemia, autosomal dominant, 3. Last evaluated: 2024-01-11. Review status: criteria provided, single submitter. Criteria: ACMG Guidelines, 2015. Collection method: clinical testing. Allele origin: germline. Inheritance: Autosomal dominant inheritance. Observed: 33 variant alleles, 33 heterozygotes.
Comment: This study involves interpretation of variants in research participants for the purpose of population health screening. Participant phenotype was not available at the time of variant classification. Additional details can be found in publication PMID: 35346344, PMCID: PMC8962531

GENinCode PLC
Classification: Likely benign for Familial hypercholesterolemia. Last evaluated: 2023-09-26. Review status: criteria provided, single submitter. Criteria: ACMG Guidelines, 2015. Collection method: clinical testing. Allele origin: germline.
Comment: This is a synonymous (silent) variant that is not predicted by SpliceAI to impact splicing. In addition, it occurs at a nucleotide that is not conserved. Therefore this variant has been classified as Likely Benign (BP4, BP7).

Ambry Genetics
Classification: Likely benign for Cardiovascular phenotype. Last evaluated: 2022-08-22. Review status: criteria provided, single submitter. Criteria: Ambry Variant Classification Scheme 2023. Collection method: clinical testing. Allele origin: germline.

Color Diagnostics, LLC DBA Color Health
Classification: Likely benign for Familial hypercholesterolemias. Last evaluated: 2017-12-22. Review status: criteria provided, single submitter. Criteria: ACMG Guidelines, 2015. Collection method: clinical testing. Allele origin: germline.